The following is an entry in ClinVar:

NM_006073.4(TRDN):c.1696A>G (p.Lys566Glu)

Gene: TRDN (triadin; minus strand). Cytogenetic location: 6q22.31.
Variant type: single nucleotide variant.
Coding change: c.1696A>G on transcript NM_006073.4 (MANE Select); coding-DNA position 1696, A replaced by G.
Protein change: p.Lys566Glu; replaces lysine 566 with glutamic acid.
Molecular consequence: missense variant.
Genome position (GRCh38, 1-based): chr6:123,271,163, T>C on the plus strand (A>G on the coding strand, the complement: TRDN is on the minus strand). VCF-style: chr6-123271163-T-C. GRCh37 (hg19) VCF-style: chr6-123592308-T-C.
Other names: short protein forms K566E.
Identifiers: ClinVar variation 1778226 (VCV001778226.2), dbSNP rs2533554364, ClinGen allele CA365564501.
Genomic context (GRCh38, chr6:123,271,163, plus strand): 5'-TGAGACATAGAAAAAAATATAAAATACCTTATTTACCTGTTTTTTCTATTGTGACAGCTT[T>C]TACCTGCTTGAGAACTTTTTCTTCTGTGATAGGAAAAAATGTTAACACAAGTAGGAAATT-3'
Protein context (NP_006064.2, residues 556-576): KPEEKVLKQV[Lys566Glu]AVTIEKTAKP

ClinVar aggregate classification (germline): Uncertain significance (1 of 4 stars; one submission).

Conditions:
Cardiovascular phenotype. Identifiers: MedGen CN230736.

Submission:

Ambry Genetics
Classification: Uncertain significance for Cardiovascular phenotype. Last evaluated: 2022-04-23. Review status: criteria provided, single submitter. Criteria: Ambry Variant Classification Scheme 2023. Collection method: clinical testing. Allele origin: germline.
Comment: The p.K566E variant (also known as c.1696A>G), located in coding exon 30 of the TRDN gene, results from an A to G substitution at nucleotide position 1696. The lysine at codon 566 is replaced by glutamic acid, an amino acid with similar properties. This amino acid position is conserved. In addition, this alteration is predicted to be tolerated by in silico analysis. Since supporting evidence is limited at this time, the clinical significance of this alteration remains unclear.